The following is an entry in ClinVar:

NM_002834.5(PTPN11):c.1320G>C (p.Glu440Asp)

Gene: PTPN11 (protein tyrosine phosphatase non-receptor type 11; plus strand). Cytogenetic location: 12q24.13.
Variant type: single nucleotide variant.
Coding change: c.1320G>C on transcript NM_002834.5 (MANE Select); coding-DNA position 1320, G replaced by C.
Protein change: p.Glu440Asp; replaces glutamic acid 440 with aspartic acid.
Molecular consequence: missense variant.
Genome position (GRCh38, 1-based): chr12:112,486,570, G>C. VCF-style: chr12-112486570-G-C. GRCh37 (hg19) VCF-style: chr12-112924374-G-C.
Other names: c.1332G>C, p.Glu444Asp (NM_001330437.2); c.1317G>C, p.Glu439Asp (NM_001374625.1); c.1320G>C, p.Glu440Asp (NM_080601.3); short protein forms E444D, E439D, E440D.
Identifiers: ClinVar variation 1769904 (VCV001769904.2), dbSNP rs2135912710, ClinGen allele CA386777432.

ClinVar aggregate classification (germline): Uncertain significance (1 of 4 stars; one submission).

Conditions:
Cardiovascular phenotype. Identifiers: MedGen CN230736.

Submission:

Ambry Genetics
Classification: Uncertain significance for Cardiovascular phenotype. Last evaluated: 2022-08-24. Review status: criteria provided, single submitter. Criteria: Ambry Variant Classification Scheme 2023. Collection method: clinical testing. Allele origin: germline.
Comment: The p.E440D variant (also known as c.1320G>C), located in coding exon 11 of the PTPN11 gene, results from a G to C substitution at nucleotide position 1320. The glutamic acid at codon 440 is replaced by aspartic acid, an amino acid with highly similar properties. This amino acid position is conserved. In addition, the in silico prediction for this alteration is inconclusive. Since supporting evidence is limited at this time, the clinical significance of this alteration remains unclear.